The following is an entry in ClinVar:

ClinVar aggregate classification (germline): Uncertain significance (1 of 4 stars; one submission).

Submission:

Labcorp Genetics (formerly Invitae), Labcorp
Classification: Uncertain significance. Last evaluated: 2024-07-30. Review status: criteria provided, single submitter. Criteria: Invitae Variant Classification Sherloc (09022015). Collection method: clinical testing. Allele origin: germline.
Comment: This sequence change replaces phenylalanine, which is neutral and non-polar, with leucine, which is neutral and non-polar, at codon 487 of the GALNT12 protein (p.Phe487Leu). This variant is not present in population databases (gnomAD no frequency). This variant has not been reported in the literature in individuals affected with GALNT12-related conditions. An algorithm developed to predict the effect of missense changes on protein structure and function (PolyPhen-2) suggests that this variant is likely to be disruptive. In summary, the available evidence is currently insufficient to determine the role of this variant in disease. Therefore, it has been classified as a Variant of Uncertain Significance.

NM_024642.5(GALNT12):c.1459T>C (p.Phe487Leu)

Gene: GALNT12 (polypeptide N-acetylgalactosaminyltransferase 12; plus strand). Cytogenetic location: 9q22.33.
Variant type: single nucleotide variant.
Coding change: c.1459T>C on transcript NM_024642.5 (MANE Select); coding-DNA position 1459, T replaced by C.
Protein change: p.Phe487Leu; replaces phenylalanine 487 with leucine.
Molecular consequence: missense variant.
Genome position (GRCh38, 1-based): chr9:98,845,977, T>C. VCF-style: chr9-98845977-T-C. GRCh37 (hg19) VCF-style: chr9-101608259-T-C.
Other names: short protein forms F487L.
Identifiers: ClinVar variation 3660859 (VCV003660859.2).